The following is an entry in ClinVar:

NM_007347.5(AP4E1):c.543-217G>A

Gene: AP4E1 (adaptor related protein complex 4 subunit epsilon 1; plus strand). Cytogenetic location: 15q21.2.
Variant type: single nucleotide variant.
Coding change: c.543-217G>A on transcript NM_007347.5 (MANE Select); 217 bases into the intron before coding-DNA position 543, G replaced by A.
Molecular consequence: intron variant.
Genome position (GRCh38, 1-based): chr15:50,928,792, G>A. VCF-style: chr15-50928792-G-A. GRCh37 (hg19) VCF-style: chr15-51220989-G-A.
Other names: c.318-217G>A (NM_001252127.2).
Identifiers: ClinVar variation 678002 (VCV000678002.1), dbSNP rs8036604, ClinGen allele CA16505935.

ClinVar aggregate classification (germline): Benign (1 of 4 stars; one submission).

Allele frequency attached by ClinVar (database versions not stated): TOPMed 0.19150; 1000 Genomes Project 30x 0.19566; gnomAD 0.19658 and 0.19810; 1000 Genomes Project 0.19848.
gnomAD v4.1: 29,532 of 149,076 alleles (20%); highest among the groups gnomAD compares: South Asian, 24%; 2,912 homozygotes.

Submission:

GeneDx
Classification: Benign. Last evaluated: 2018-06-16. Review status: criteria provided, single submitter. Criteria: GeneDx Variant Classification (06012015). Collection method: clinical testing. Allele origin: germline. Affected: yes.
Comment: This variant is considered likely benign or benign based on one or more of the following criteria: it is a conservative change, it occurs at a poorly conserved position in the protein, it is predicted to be benign by multiple in silico algorithms, and/or has population frequency not consistent with disease.